The following is an entry in ClinVar:

ClinVar aggregate classification (germline): Uncertain significance (1 of 4 stars; one submission).

gnomAD v4.1: 1 of 1,207,714 alleles (0.000083%); highest among the groups gnomAD compares: Admixed American, 0.0022%; no homozygotes.

Submission:

GeneDx
Classification: Uncertain significance. Last evaluated: 2024-08-12. Review status: criteria provided, single submitter. Criteria: GeneDx Variant Classification Process June 2021. Collection method: clinical testing. Allele origin: germline. Affected: yes.
Comment: In silico analysis supports that this missense variant has a deleterious effect on protein structure/function; Has not been previously published as pathogenic or benign to our knowledge

NM_001291415.2(KDM6A):c.3010T>C (p.Phe1004Leu)

Gene: KDM6A (lysine demethylase 6A; plus strand). Cytogenetic location: Xp11.3.
Variant type: single nucleotide variant.
Coding change: c.3010T>C on transcript NM_001291415.2 (MANE Select); coding-DNA position 3010, T replaced by C.
Protein change: p.Phe1004Leu; replaces phenylalanine 1004 with leucine.
Molecular consequence: missense variant. On other transcripts: non-coding transcript variant (1).
Genome position (GRCh38, 1-based): chrX:45,078,421, T>C. VCF-style: chrX-45078421-T-C. GRCh37 (hg19) VCF-style: chrX-44937666-T-C.
Other names: c.2617T>C, p.Phe873Leu (NM_001419815.1, NM_001291418.2); c.2854T>C, p.Phe952Leu (NM_021140.4, NM_001419812.1); c.2875T>C, p.Phe959Leu (NM_001291416.2, NM_001419811.1); c.2719T>C, p.Phe907Leu (NM_001291417.2); c.1966T>C, p.Phe656Leu (NM_001291421.2); c.2752T>C, p.Phe918Leu (NM_001410742.1, NM_001419814.1); c.3010T>C, p.Phe1004Leu (NM_001419809.1); c.2908T>C, p.Phe970Leu (NM_001419810.1, NM_001419813.1); short protein forms F656L, F918L, F952L, F970L, F1004L, F873L, F959L, F907L.
Identifiers: ClinVar variation 3731176 (VCV003731176.1).